The following is an entry in ClinVar:

ClinVar aggregate classification (germline): Benign/Likely benign. Review status: criteria provided, multiple submitters, no conflicts (2 of 4 stars). 2 submissions from 2 submitters: Benign (1); Likely benign (1). Last evaluated 2021-03-11.

Conditions:
Frank-Ter Haar syndrome. Also called: BORRONE DERMATOCARDIOSKELETAL SYNDROME; TER HAAR SYNDROME; MELNICK-NEEDLES SYNDROME, AUTOSOMAL RECESSIVE; Borrone di Rocco Crovato syndrome. Identifiers: Orphanet 1266, Orphanet 137834, MedGen C1855305, MONDO:0009579, OMIM 249420.

Allele frequency attached by ClinVar (database versions not stated): gnomAD exomes 0.00094 and 0.00243; ExAC 0.00309; gnomAD 0.00996 and 0.01064; ESP Exome Variant Server 0.01062; TOPMed 0.01187; 1000 Genomes Project 0.01398; 1000 Genomes Project 30x 0.01437.
gnomAD v4.1: 2,943 of 1,614,046 alleles (0.18%); highest among the groups gnomAD compares: African/African-American, 3.5%; 56 homozygotes.

Submissions (2):

GeneDx
Classification: Likely benign. Last evaluated: 2021-03-11. Review status: criteria provided, single submitter. Criteria: GeneDx Variant Classification Process June 2021. Collection method: clinical testing. Allele origin: germline. Affected: yes.

Illumina Laboratory Services, Illumina
Classification: Benign for Frank-Ter Haar syndrome. Last evaluated: 2018-01-13. Review status: criteria provided, single submitter. Criteria: ICSL Variant Classification Criteria 13 December 2019. Collection method: clinical testing. Allele origin: germline.
Comment: This variant was observed in the ICSL laboratory as part of a predisposition screen in an ostensibly healthy population. It had not been previously curated by ICSL or reported in the Human Gene Mutation Database (HGMD: prior to June 1st, 2018), and was therefore a candidate for classification through an automated scoring system. Utilizing variant allele frequency, disease prevalence and penetrance estimates, and inheritance mode, an automated score was calculated to assess if this variant is too frequent to cause the disease. Based on the score and internal cut-off values, a variant classified as benign is not then subjected to further curation. The score for this variant resulted in a classification of benign for this disease.

NM_001017995.3(SH3PXD2B):c.*14T>C

Gene: SH3PXD2B (SH3 and PX domains 2B; minus strand). Cytogenetic location: 5q35.1.
Variant type: single nucleotide variant.
Coding change: c.*14T>C on transcript NM_001017995.3 (MANE Select); 14 bases downstream of the stop codon, T replaced by C.
Molecular consequence: 3 prime UTR variant. On other transcripts: intron variant (1).
Genome position (GRCh38, 1-based): chr5:172,338,355, A>G on the plus strand (T>C on the coding strand, the complement: SH3PXD2B is on the minus strand). VCF-style: chr5-172338355-A-G. GRCh37 (hg19) VCF-style: chr5-171765359-A-G.
Other names: c.1188+7781T>C (NM_001308175.2).
Identifiers: ClinVar variation 352799 (VCV000352799.7), dbSNP rs73317794, ClinGen allele CA3560897.